The following is an entry in ClinVar:

NM_004168.4(SDHA):c.895+1G>A

Gene: SDHA (succinate dehydrogenase complex flavoprotein subunit A; plus strand). Cytogenetic location: 5p15.33.
Variant type: single nucleotide variant.
Coding change: c.895+1G>A on transcript NM_004168.4 (MANE Select); the canonical splice donor site of the intron after coding-DNA position 895, G replaced by A.
Molecular consequence: splice donor variant.
Genome position (GRCh38, 1-based): chr5:231,001, G>A. VCF-style: chr5-231001-G-A. GRCh37 (hg19) VCF-style: chr5-231116-G-A.
Other names: c.895+1G>A (NM_001330758.2); c.751+1G>A (NM_001294332.2).
Identifiers: ClinVar variation 3793542 (VCV003793542.1).
Genomic context (GRCh38, chr5:231,001, plus strand): 5'-TGATCACCAGGGCAGGCCTTCCTTGCCAGGACCTAGAGTTTGTTCAGTTCCACCCTACAG[G>A]TAGGGCAGGACGCCTTGCCCGGCAGGTGTTTGGCTTGTGTGTGTCTTGTAAGCATGTGAT-3'

ClinVar aggregate classification (germline): Likely pathogenic (1 of 4 stars; one submission).

Conditions:
Hereditary cancer-predisposing syndrome. Also called: Neoplastic Syndromes, Hereditary; Hereditary Cancer Syndrome; Tumor predisposition; Hereditary neoplastic syndrome. Identifiers: Orphanet 140162, MedGen C0027672, MeSH D009386, MONDO:0015356.

Submission:

Ambry Genetics
Classification: Likely pathogenic for Hereditary cancer-predisposing syndrome. Last evaluated: 2025-01-13. Review status: criteria provided, single submitter. Criteria: Ambry Variant Classification Scheme 2023. Collection method: clinical testing. Allele origin: germline.
Comment: The c.895+1G>A intronic variant results from a G to A substitution one nucleotide after coding exon 7 of the SDHA gene. Alterations that disrupt the canonical splice site are expected to cause aberrant splicing, resulting in an abnormal protein or a transcript that is subject to nonsense-mediated mRNA decay. This nucleotide position is highly conserved in available vertebrate species. In silico splice site analysis predicts that this alteration will weaken the native splice donor site. RNA studies have demonstrated that this alteration results in abnormal splicing in the set of samples tested (Ambry internal data). Based on the majority of available evidence to date, this variant is likely to be pathogenic.